The following is an entry in ClinVar:

NM_016562.4(TLR7):c.222T>G (p.Ile74Met)

Gene: TLR7 (toll like receptor 7; plus strand). Cytogenetic location: Xp22.2.
Variant type: single nucleotide variant.
Coding change: c.222T>G on transcript NM_016562.4 (MANE Select); coding-DNA position 222, T replaced by G.
Protein change: p.Ile74Met; replaces isoleucine 74 with methionine.
Molecular consequence: missense variant.
Genome position (GRCh38, 1-based): chrX:12,885,730, T>G. VCF-style: chrX-12885730-T-G. GRCh37 (hg19) VCF-style: chrX-12903849-T-G.
Other names: short protein forms I74M.
Identifiers: ClinVar variation 2802395 (VCV002802395.3), dbSNP rs2518437179, ClinGen allele CA412404333.
Genomic context (GRCh38, chrX:12,885,730, plus strand): 5'-GCATTTGACAGAAATTCCTGGAGGTATTCCCACGAACACCACGAACCTCACCCTCACCAT[T>G]AACCACATACCAGACATCTCCCCAGCGTCCTTTCACAGACTGGACCATCTGGTAGAGATC-3'
Protein context (NP_057646.1, residues 64-84): PTNTTNLTLT[Ile74Met]NHIPDISPAS

ClinVar aggregate classification (germline): Uncertain significance (1 of 4 stars; one submission).

Allele frequency attached by ClinVar (database versions not stated): gnomAD exomes below 0.00001.
gnomAD v4.1: 6 of 1,211,601 alleles (0.0005%); highest among the groups gnomAD compares: Non-Finnish European, 0.00034%; no homozygotes.

Submission:

Labcorp Genetics (formerly Invitae), Labcorp
Classification: Uncertain significance. Last evaluated: 2023-12-25. Review status: criteria provided, single submitter. Criteria: Invitae Variant Classification Sherloc (09022015). Collection method: clinical testing. Allele origin: germline.
Comment: This sequence change replaces isoleucine, which is neutral and non-polar, with methionine, which is neutral and non-polar, at codon 74 of the TLR7 protein (p.Ile74Met). This variant is not present in population databases (gnomAD no frequency). This variant has not been reported in the literature in individuals affected with TLR7-related conditions. An algorithm developed to predict the effect of missense changes on protein structure and function (PolyPhen-2) suggests that this variant is likely to be disruptive. In summary, the available evidence is currently insufficient to determine the role of this variant in disease. Therefore, it has been classified as a Variant of Uncertain Significance.